The following is an entry in ClinVar:

NM_177438.3(DICER1):c.887C>T (p.Thr296Ile)

Gene: DICER1 (dicer 1, ribonuclease III; minus strand). Cytogenetic location: 14q32.13.
Variant type: single nucleotide variant.
Coding change: c.887C>T on transcript NM_177438.3 (MANE Select); coding-DNA position 887, C replaced by T.
Protein change: p.Thr296Ile; replaces threonine 296 with isoleucine.
Molecular consequence: missense variant.
Genome position (GRCh38, 1-based): chr14:95,126,596, G>A on the plus strand (C>T on the coding strand, the complement: DICER1 is on the minus strand). VCF-style: chr14-95126596-G-A. GRCh37 (hg19) VCF-style: chr14-95592933-G-A.
Other names: c.887C>T, p.Thr296Ile (NM_001195573.1, NM_001271282.3, NM_001291628.2 and 1 more transcripts); short protein forms T296I.
Identifiers: ClinVar variation 945862 (VCV000945862.13), dbSNP rs1595447510, ClinGen allele CA390887449.

ClinVar aggregate classification (germline): Conflicting classifications of pathogenicity. Review status: criteria provided, conflicting classifications (1 of 4 stars). 2 submissions from 2 submitters: Uncertain significance (1); Likely benign (1). Last evaluated 2025-12-18.

Conditions:
DICER1-related tumor predisposition. Also called: DICER1-related pleuropulmonary blastoma cancer predisposition syndrome; DICER1 syndrome. Identifiers: Orphanet 284343, MedGen C3839822, MONDO:0100216.
Hereditary cancer-predisposing syndrome. Also called: Tumor predisposition; Hereditary neoplastic syndrome; Hereditary Cancer Syndrome; Neoplastic Syndromes, Hereditary. Identifiers: Orphanet 140162, MedGen C0027672, MeSH D009386, MONDO:0015356.

Allele frequency attached by ClinVar (database versions not stated): gnomAD exomes below 0.00001; gnomAD 0.00001.
gnomAD v4.1: 2 of 1,532,156 alleles (0.00013%); highest among the groups gnomAD compares: African/African-American, 0.0014%; no homozygotes.

Submissions (2):

Ambry Genetics
Classification: Likely benign for Hereditary cancer-predisposing syndrome. Last evaluated: 2025-12-18. Review status: criteria provided, single submitter. Criteria: Ambry Variant Classification Scheme 2023. Collection method: clinical testing. Allele origin: germline.

Labcorp Genetics (formerly Invitae), Labcorp
Classification: Uncertain significance for DICER1-related tumor predisposition. Last evaluated: 2025-08-07. Review status: criteria provided, single submitter. Criteria: Invitae Variant Classification Sherloc (09022015). Collection method: clinical testing. Allele origin: germline.
Comment: This sequence change replaces threonine, which is neutral and polar, with isoleucine, which is neutral and non-polar, at codon 296 of the DICER1 protein (p.Thr296Ile). This variant is not present in population databases (gnomAD no frequency). This variant has not been reported in the literature in individuals affected with DICER1-related conditions. ClinVar contains an entry for this variant (Variation ID: 945862). Invitae Evidence Modeling of protein sequence and biophysical properties (such as structural, functional, and spatial information, amino acid conservation, physicochemical variation, residue mobility, and thermodynamic stability) indicates that this missense variant is not expected to disrupt DICER1 protein function with a negative predictive value of 95%. In summary, the available evidence is currently insufficient to determine the role of this variant in disease. Therefore, it has been classified as a Variant of Uncertain Significance.